The following is an entry in ClinVar:

NM_015459.5(ATL3):c.1485A>G (p.Gln495=)

Genes: ATL3 (atlastin GTPase 3; minus strand), LNCROPM (lncRNA regulator of PLAAT3 mediated phospholipid metabolism; plus strand). Cytogenetic location: 11q13.1.
Variant type: single nucleotide variant.
Coding change: c.1485A>G on transcript NM_015459.5 (MANE Select); coding-DNA position 1485, A replaced by G.
Protein change: p.Gln495=; no amino-acid change (glutamine 495 retained).
Molecular consequence: synonymous variant.
Genome position (GRCh38, 1-based): chr11:63,631,094, T>C on the plus strand (A>G on the coding strand, the complement: ATL3 is on the minus strand). VCF-style: chr11-63631094-T-C. GRCh37 (hg19) VCF-style: chr11-63398566-T-C.
Other names: c.1431A>G, p.Gln477= (NM_001290048.2).
Identifiers: ClinVar variation 1061709 (VCV001061709.9), dbSNP rs1002281378, ClinGen allele CA223740825.

ClinVar aggregate classification (germline): Likely benign. Review status: criteria provided, multiple submitters, no conflicts (2 of 4 stars). 2 submissions from 2 submitters: Likely benign (2). Last evaluated 2026-04-01.

Conditions:
Neuropathy, hereditary sensory, type 1F. Also called: Hereditary sensory neuropathy type IF; HSN IF. Identifiers: Orphanet 36386, MedGen C3810194, MONDO:0014286, OMIM 615632.

gnomAD v4.1: 6 of 1,614,126 alleles (0.00037%); highest among the groups gnomAD compares: South Asian, 0.0011%; no homozygotes.

Submissions (2):

CeGaT Center for Human Genetics Tuebingen
Classification: Likely benign. Last evaluated: 2026-04-01. Review status: criteria provided, single submitter. Criteria: CeGaT Center For Human Genetics Tuebingen Variant Classification Criteria Version 2. Collection method: clinical testing. Allele origin: germline. Affected: yes. Observed: 1 variant allele.
Comment: ATL3: BP4, BP7

Labcorp Genetics (formerly Invitae), Labcorp
Classification: Likely benign for Neuropathy, hereditary sensory, type 1F. Last evaluated: 2022-12-11. Review status: criteria provided, single submitter. Criteria: Invitae Variant Classification Sherloc (09022015). Collection method: clinical testing. Allele origin: germline.